The following is an entry in ClinVar:

NM_138694.4(PKHD1):c.6929del (p.Gly2310fs)

Gene: PKHD1 (PKHD1 ciliary IPT domain containing fibrocystin/polyductin; minus strand). Cytogenetic location: 6p12.2.
Variant type: Deletion.
Coding change: c.6929del on transcript NM_138694.4 (MANE Select); coding-DNA position 6929, one base deleted (G; older notation c.6929delG).
Protein change: p.Gly2310fs; shifts the reading frame from glycine 2310.
Molecular consequence: frameshift variant.
Genome position (GRCh38, 1-based): chr6:51,903,664, C deleted on the plus strand (G on the coding strand, the reverse complement: PKHD1 is on the minus strand); the first of 3 consecutive C bases (chr6:51,903,664-51,903,666); deleting any one gives the same sequence. VCF-style (leftmost placement, unchanged base first): chr6-51903663-TC-T. GRCh37 (hg19) VCF-style: chr6-51768461-TC-T.
Other names: c.6929del, p.Gly2310fs (NM_170724.3); short protein forms G2310fs.
Identifiers: ClinVar variation 2136414 (VCV002136414.4), dbSNP rs2536525400, ClinGen allele CA2580075444.

ClinVar aggregate classification (germline): Pathogenic (1 of 4 stars; one submission).

Conditions:
Autosomal recessive polycystic kidney disease (ARPKD). Also called: AR polycystic kidney disease. Identifiers: Orphanet 731, Orphanet 8378, MedGen C0085548, MeSH D017044, MONDO:0009889.

Submission:

Labcorp Genetics (formerly Invitae), Labcorp
Classification: Pathogenic for Autosomal recessive polycystic kidney disease. Last evaluated: 2022-03-18. Review status: criteria provided, single submitter. Criteria: Invitae Variant Classification Sherloc (09022015). Collection method: clinical testing. Allele origin: germline.
Comment: For these reasons, this variant has been classified as Pathogenic. This premature translational stop signal has been observed in individual(s) with polycystic kidney disease (PMID: 19940839). This variant is not present in population databases (gnomAD no frequency). This sequence change creates a premature translational stop signal (p.Gly2310Aspfs*8) in the PKHD1 gene. It is expected to result in an absent or disrupted protein product. Loss-of-function variants in PKHD1 are known to be pathogenic (PMID: 19940839).

Literature cited by the submitters: PubMed 19940839.